The following is an entry in ClinVar:

NM_006766.5(KAT6A):c.4111C>G (p.Leu1371Val)

Gene: KAT6A (lysine acetyltransferase 6A; minus strand). Cytogenetic location: 8p11.21.
Variant type: single nucleotide variant.
Coding change: c.4111C>G on transcript NM_006766.5 (MANE Select); coding-DNA position 4111, C replaced by G.
Protein change: p.Leu1371Val; replaces leucine 1371 with valine.
Molecular consequence: missense variant.
Genome position (GRCh38, 1-based): chr8:41,934,109, G>C on the plus strand (C>G on the coding strand, the complement: KAT6A is on the minus strand). VCF-style: chr8-41934109-G-C. GRCh37 (hg19) VCF-style: chr8-41791627-G-C.
Other names: short protein forms L1371V.
Identifiers: ClinVar variation 4747351 (VCV004747351.1).

ClinVar aggregate classification (germline): Uncertain significance (1 of 4 stars; one submission).

Submission:

Labcorp Genetics (formerly Invitae), Labcorp
Classification: Uncertain significance. Last evaluated: 2025-03-30. Review status: criteria provided, single submitter. Criteria: Invitae Variant Classification Sherloc (09022015). Collection method: clinical testing. Allele origin: germline.
Comment: This sequence change replaces leucine, which is neutral and non-polar, with valine, which is neutral and non-polar, at codon 1371 of the KAT6A protein (p.Leu1371Val). This variant is not present in population databases (gnomAD no frequency). This variant has not been reported in the literature in individuals affected with KAT6A-related conditions. Invitae Evidence Modeling of protein sequence and biophysical properties (such as structural, functional, and spatial information, amino acid conservation, physicochemical variation, residue mobility, and thermodynamic stability) indicates that this missense variant is not expected to disrupt KAT6A protein function with a negative predictive value of 95%. In summary, the available evidence is currently insufficient to determine the role of this variant in disease. Therefore, it has been classified as a Variant of Uncertain Significance.